The following is an entry in ClinVar:

NM_005228.5(EGFR):c.2367_2378del (p.Ile789_Leu792del)

Genes: EGFR (epidermal growth factor receptor; plus strand), EGFR-AS1 (EGFR antisense RNA 1; minus strand). Cytogenetic location: 7p11.2.
Variant type: Deletion.
Coding change: c.2367_2378del on transcript NM_005228.5 (MANE Select); coding-DNA positions 2367 to 2378, 12 bases deleted (CACGCAGCTCAT).
Protein change: p.Ile789_Leu792del.
Molecular consequence: inframe deletion. On other transcripts: non-coding transcript variant (1).
Genome position (GRCh38, 1-based): chr7:55,181,376-55,181,387, CACGCAGCTCAT deleted; deleting any 12 consecutive bases within chr7:55,181,367-55,181,387 gives the same sequence; the c. name uses the placement nearest the transcript's 3' end. VCF-style (leftmost placement, unchanged base first): chr7-55181366-TGCAGCTCATCAC-T. GRCh37 (hg19) VCF-style: chr7-55249059-TGCAGCTCATCAC-T.
Other names: c.2232_2243del, p.Ile744_Leu747del (NM_001346897.2, NM_001346899.2); c.2367_2378del, p.Ile789_Leu792del (NM_001346898.2); c.2208_2219del, p.Ile736_Leu739del (NM_001346900.2); c.1566_1577del, p.Ile522_Leu525del (NM_001346941.2).
Identifiers: ClinVar variation 4712095 (VCV004712095.1).
Genomic context (GRCh38, chr7:55,181,366, plus strand): 5'-TGGCCAGCGTGGACAACCCCCACGTGTGCCGCCTGCTGGGCATCTGCCTCACCTCCACCG[TGCAGCTCATCAC>T]GCAGCTCATGCCCTTCGGCTGCCTCCTGGACTATGTCCGGGAACACAAAGACAATATTGG-3'

ClinVar aggregate classification (germline): Uncertain significance (1 of 4 stars; one submission).

Conditions:
EGFR-related lung cancer (EGFR). Identifiers: MedGen CN130014.

Submission:

Labcorp Genetics (formerly Invitae), Labcorp
Classification: Uncertain significance for EGFR-related lung cancer. Last evaluated: 2025-05-28. Review status: criteria provided, single submitter. Criteria: Invitae Variant Classification Sherloc (09022015). Collection method: clinical testing. Allele origin: germline.
Comment: This variant, c.2367_2378del, results in the deletion of 4 amino acid(s) of the EGFR protein (p.Ile789_Leu792del), but otherwise preserves the integrity of the reading frame. This variant is not present in population databases (gnomAD no frequency). This variant has not been reported in the literature in individuals affected with EGFR-related conditions. Experimental studies and prediction algorithms are not available or were not evaluated, and the functional significance of this variant is currently unknown. In summary, the available evidence is currently insufficient to determine the role of this variant in disease. Therefore, it has been classified as a Variant of Uncertain Significance.